The following is an entry in ClinVar:

ClinVar aggregate classification (germline): Likely benign. Review status: criteria provided, multiple submitters, no conflicts (2 of 4 stars). 3 submissions from 3 submitters: Likely benign (3). Last evaluated 2026-08-01.

Allele frequency attached by ClinVar (database versions not stated): 1000 Genomes Project 0.00200; 1000 Genomes Project 30x 0.00203; ExAC 0.00395; gnomAD exomes 0.00421 and 0.00647; gnomAD 0.00462 and 0.00476; TOPMed 0.00503; ESP Exome Variant Server 0.00554.
gnomAD v4.1: 10,103 of 1,613,684 alleles (0.63%); highest among the groups gnomAD compares: Non-Finnish European, 0.77%; 44 homozygotes.

Submissions (3):

CeGaT Center for Human Genetics Tuebingen
Classification: Likely benign. Last evaluated: 2026-08-01. Review status: criteria provided, single submitter. Criteria: CeGaT Center For Human Genetics Tuebingen Variant Classification Criteria Version 2. Collection method: clinical testing. Allele origin: germline. Affected: yes. Observed: 6 variant alleles.
Comment: NPAP1: BP4, BS2

Labcorp Genetics (formerly Invitae), Labcorp
Classification: Likely benign. Last evaluated: 2017-06-28. Review status: criteria provided, single submitter. Criteria: Invitae Variant Classification Sherloc (09022015). Collection method: clinical testing. Allele origin: germline.

Breakthrough Genomics
Classification: Likely benign. Review status: criteria provided, single submitter. Criteria: ACMG Guidelines, 2015. Collection method: not provided. Allele origin: germline. Inheritance: Unknown mechanism. Affected: yes.

NM_018958.3(NPAP1):c.1039G>T (p.Asp347Tyr)

Gene: NPAP1 (nuclear pore associated protein 1; plus strand). Cytogenetic location: 15q11.2.
Variant type: single nucleotide variant.
Coding change: c.1039G>T on transcript NM_018958.3 (MANE Select); coding-DNA position 1039, G replaced by T.
Protein change: p.Asp347Tyr; replaces aspartic acid 347 with tyrosine.
Molecular consequence: missense variant.
Genome position (GRCh38, 1-based): chr15:24,676,906, G>T. VCF-style: chr15-24676906-G-T. GRCh37 (hg19) VCF-style: chr15-24922053-G-T.
Other names: short protein forms D347Y.
Identifiers: ClinVar variation 782718 (VCV000782718.27), dbSNP rs34629208, ClinGen allele CA7430654.